The following is an entry in ClinVar:

NM_019892.6(INPP5E):c.1551G>A (p.Gly517=)

Gene: INPP5E (inositol polyphosphate-5-phosphatase E; minus strand). Cytogenetic location: 9q34.3.
Variant type: single nucleotide variant.
Coding change: c.1551G>A on transcript NM_019892.6 (MANE Select); coding-DNA position 1551, G replaced by A.
Protein change: p.Gly517=; no amino-acid change (glycine 517 retained).
Molecular consequence: synonymous variant.
Genome position (GRCh38, 1-based): chr9:136,431,116, C>T on the plus strand (G>A on the coding strand, the complement: INPP5E is on the minus strand). VCF-style: chr9-136431116-C-T. GRCh37 (hg19) VCF-style: chr9-139325568-C-T.
Other names: c.1548G>A, p.Gly516= (NM_001318502.2).
Identifiers: ClinVar variation 3356117 (VCV003356117.1).

ClinVar aggregate classification (germline): Likely benign (0 of 4 stars; one submission).

Conditions:
INPP5E-related disorder. Also called: INPP5E-related condition.

Submission:

PreventionGenetics, part of Exact Sciences
Classification: Likely benign for INPP5E-related condition. Last evaluated: 2024-05-01. Review status: no assertion criteria provided. Collection method: clinical testing. Allele origin: germline.
Comment: This variant is classified as likely benign based on ACMG/AMP sequence variant interpretation guidelines (Richards et al. 2015 PMID: 25741868, with internal and published modifications).